The following is an entry in ClinVar:

ClinVar aggregate classification (germline): Pathogenic. Review status: criteria provided, multiple submitters, no conflicts (2 of 4 stars). 3 submissions from 3 submitters: Pathogenic (3). Last evaluated 2026-01-27.

Conditions:
Cardiovascular phenotype. Identifiers: MedGen CN230736.
Dilated cardiomyopathy 3B (CMD3B). Also called: CMD3B: DMD-Related Dilated Cardiomyopathy; CARDIOMYOPATHY, DILATED, X-LINKED; DMD-Associated Dilated Cardiomyopathy. Identifiers: Orphanet 154, MedGen C3668940, MONDO:0010542, OMIM 302045.
Duchenne muscular dystrophy (DMD). Also called: Duchenne Muscular Dystrophy (DMD); MUSCULAR DYSTROPHY, PSEUDOHYPERTROPHIC PROGRESSIVE, DUCHENNE TYPE. Identifiers: Orphanet 98896, MedGen C0013264, MONDO:0010679, OMIM 310200.

Submissions (3):

Labcorp Genetics (formerly Invitae), Labcorp
Classification: Pathogenic for Duchenne muscular dystrophy. Last evaluated: 2026-01-27. Review status: criteria provided, single submitter. Criteria: Invitae Variant Classification Sherloc (09022015). Collection method: clinical testing. Allele origin: germline.
Comment: This sequence change affects a donor splice site in intron 1 of the DMD gene. It is expected to disrupt RNA splicing. Variants that disrupt the donor or acceptor splice site typically lead to a loss of protein function (PMID: 16199547), and loss-of-function variants in DMD are known to be pathogenic (PMID: 16770791, 25007885). This variant is not present in population databases (gnomAD no frequency). Disruption of this splice site has been observed in individuals with clinical features of dilated cardiomyopathy and Becker/Duchenne muscular dystrophy (PMID: 8789442, 17041906, 27593222, 29901616). It has also been observed to segregate with disease in related individuals. ClinVar contains an entry for this variant (Variation ID: 526056). Algorithms developed to predict the effect of sequence changes on RNA splicing suggest that this variant may disrupt the consensus splice site. For these reasons, this variant has been classified as Pathogenic.

3billion
Classification: Pathogenic for Dilated cardiomyopathy 3B. Last evaluated: 2026-01-21. Review status: criteria provided, single submitter. Criteria: ACMG Guidelines, 2015. Collection method: clinical testing. Allele origin: germline. Affected: yes.
Comment: The variant is not observed in the gnomAD v4.1.0 dataset. Predicted Consequence/Location: Canonical splice site: predicted to alter splicing and result in a loss or disruption of normal protein function. Multiple pathogenic loss-of-function variants are reported downstream of the variant. The variant has been reported at least twice as pathogenic without evidence for the classification (ClinVar ID: VCV000526056 /PMID: 29901616 /3billion dataset). Therefore, this variant is classified as Pathogenic according to the recommendation of ACMG/AMP guideline.

Ambry Genetics
Classification: Pathogenic for Cardiovascular phenotype. Last evaluated: 2018-02-03. Review status: criteria provided, single submitter. Criteria: Ambry Variant Classification Scheme 2023. Collection method: clinical testing. Allele origin: germline.
Comment: The c.31+1G>C intronic pathogenic mutation results from a G to C substitution one nucleotide after coding exon 1 of the DMD gene. A disease-causing mutation (c.31+1G>T) has been described at the same nucleotide position associated with X-linked dilated cardiomyopathy (Milasin J et al. Hum. Mol. Genet. 1996;5:73-9). In addition, alterations that disrupt the canonical splice site are expected to cause aberrant splicing, resulting in an abnormal protein or a transcript that is subject to nonsense-mediated mRNA decay. As such, this alteration is classified as a disease-causing mutation.

Literature cited by the submitters: PubMed 16199547 (cited by Labcorp Genetics (formerly Invitae), Labcorp); PubMed 16770791 (cited by Labcorp Genetics (formerly Invitae), Labcorp); PubMed 25007885 (cited by Labcorp Genetics (formerly Invitae), Labcorp); PubMed 8789442 (cited by Labcorp Genetics (formerly Invitae), Labcorp and Ambry Genetics); PubMed 17041906 (cited by Labcorp Genetics (formerly Invitae), Labcorp); PubMed 27593222 (cited by Labcorp Genetics (formerly Invitae), Labcorp); PubMed 29901616 (cited by Labcorp Genetics (formerly Invitae), Labcorp and 3billion).

NM_004006.3(DMD):c.31+1G>C

Gene: DMD (dystrophin; minus strand). Cytogenetic location: Xp21.1.
Variant type: single nucleotide variant.
Coding change: c.31+1G>C on transcript NM_004006.3 (MANE Select); the canonical splice donor site of the intron after coding-DNA position 31, G replaced by C.
Molecular consequence: splice donor variant. On other transcripts: intron variant (1).
Genome position (GRCh38, 1-based): chrX:33,211,281, C>G on the plus strand (G>C on the coding strand, the complement: DMD is on the minus strand). VCF-style: chrX-33211281-C-G. GRCh37 (hg19) VCF-style: chrX-33229398-C-G.
Other names: c.7+127978G>C (NM_000109.4).
Identifiers: ClinVar variation 526056 (VCV000526056.15), dbSNP rs398123923, ClinGen allele CA412675097.
Genomic context (GRCh38, chrX:33,211,281, plus strand): 5'-GCTTGTCACAAACTAAACGTTATGCCACAGTAAAATATATTTTTAGTTACTTTGTACTTA[C>G]AACAGTCCTCTACTTCTTCCCACCAAAGCATTTTGAAAAGTGTATATCAAGGCAGCGATA-3'